The following is an entry in ClinVar:

ClinVar aggregate classification (germline): Uncertain significance. Review status: criteria provided, multiple submitters, no conflicts (2 of 4 stars). 2 submissions from 2 submitters: Uncertain significance (2). Last evaluated 2025-12-18.

Conditions:
PKD1L1-related disorder. Also called: PKD1L1-related condition.
Inborn genetic diseases. Identifiers: MedGen C0950123, MeSH D030342.

Allele frequency attached by ClinVar (database versions not stated): gnomAD 0.00005; ExAC 0.00006; TOPMed 0.00006; ESP Exome Variant Server 0.00015; 1000 Genomes Project 30x 0.00016; 1000 Genomes Project 0.00020.
gnomAD v4.1: 166 of 1,614,142 alleles (0.01%); highest among the groups gnomAD compares: Non-Finnish European, 0.013%; no homozygotes.

Submissions (2):

PreventionGenetics, part of Exact Sciences
Classification: Uncertain significance for PKD1L1-related condition. Last evaluated: 2025-12-18. Review status: criteria provided, single submitter. Criteria: ACMG Guidelines, 2015. Collection method: clinical testing. Allele origin: germline.
Comment: The PKD1L1 c.3739T>G variant is predicted to result in the amino acid substitution p.Tyr1247Asp. To our knowledge, this variant has not been reported in the literature. This variant is reported in 0.014% of alleles in individuals of European (non-Finnish) descent in gnomAD. Although we suspect this variant is pathogenic, at this time, the clinical significance of this variant is uncertain due to the absence of conclusive functional and genetic evidence.

Ambry Genetics
Classification: Uncertain significance for Inborn genetic diseases. Last evaluated: 2023-11-03. Review status: criteria provided, single submitter. Criteria: Ambry Variant Classification Scheme 2023. Collection method: clinical testing. Allele origin: germline.

NM_138295.5(PKD1L1):c.3739T>G (p.Tyr1247Asp)

Gene: PKD1L1 (polycystin 1 like 1, transient receptor potential channel interacting; minus strand). Cytogenetic location: 7p12.3.
Variant type: single nucleotide variant.
Coding change: c.3739T>G on transcript NM_138295.5 (MANE Select); coding-DNA position 3739, T replaced by G.
Protein change: p.Tyr1247Asp; replaces tyrosine 1247 with aspartic acid.
Molecular consequence: missense variant.
Genome position (GRCh38, 1-based): chr7:47,876,142, A>C on the plus strand (T>G on the coding strand, the complement: PKD1L1 is on the minus strand). VCF-style: chr7-47876142-A-C. GRCh37 (hg19) VCF-style: chr7-47915740-A-C.
Other names: short protein forms Y1247D.
Identifiers: ClinVar variation 2634229 (VCV002634229.4), dbSNP rs149322509, ClinGen allele CA4253320.